The following is an entry in ClinVar:

NM_030973.4(MED25):c.286A>G (p.Thr96Ala)

Gene: MED25 (mediator complex subunit 25; plus strand). Cytogenetic location: 19q13.33.
Variant type: single nucleotide variant.
Coding change: c.286A>G on transcript NM_030973.4 (MANE Select); coding-DNA position 286, A replaced by G.
Protein change: p.Thr96Ala; replaces threonine 96 with alanine.
Molecular consequence: missense variant.
Genome position (GRCh38, 1-based): chr19:49,819,277, A>G. VCF-style: chr19-49819277-A-G. GRCh37 (hg19) VCF-style: chr19-50322534-A-G.
Other names: c.286A>G, p.Thr96Ala (NM_001378355.1); short protein forms T96A.
Identifiers: ClinVar variation 946643 (VCV000946643.11), dbSNP rs201460460, ClinGen allele CA9584777.

ClinVar aggregate classification (germline): Uncertain significance. Review status: criteria provided, multiple submitters, no conflicts (2 of 4 stars). 3 submissions from 3 submitters: Uncertain significance (3). Last evaluated 2026-09-18.

Conditions:
Inborn genetic diseases. Identifiers: MedGen C0950123, MeSH D030342.
MED25-related disorder. Also called: MED25-related condition.
Charcot-Marie-Tooth disease type 2. Also called: Charcot-Marie-Tooth type 2. Identifiers: Orphanet 64746, MedGen C0270914, MONDO:0018993.

Allele frequency attached by ClinVar (database versions not stated): gnomAD exomes 0.00001 and 0.00004; TOPMed 0.00017; 1000 Genomes Project 0.00040; 1000 Genomes Project 30x 0.00047; ExAC 0.00002; gnomAD 0.00011.
gnomAD v4.1: 30 of 1,613,754 alleles (0.0019%); highest among the groups gnomAD compares: Admixed American, 0.035%; no homozygotes.

Submissions (3):

PreventionGenetics, part of Exact Sciences
Classification: Uncertain significance for MED25-related condition. Last evaluated: 2026-09-18. Review status: criteria provided, single submitter. Criteria: ACMG Guidelines, 2015. Collection method: clinical testing. Allele origin: germline.
Comment: The MED25 c.286A>G variant is predicted to result in the amino acid substitution p.Thr96Ala. To our knowledge, this variant has not been reported in the literature. This variant is reported in 0.023% of alleles in individuals of Latino descent in gnomAD. At this time, the clinical significance of this variant is uncertain due to the absence of conclusive functional and genetic evidence.

Ambry Genetics
Classification: Uncertain significance for Inborn genetic diseases. Last evaluated: 2025-08-09. Review status: criteria provided, single submitter. Criteria: Ambry Variant Classification Scheme 2023. Collection method: clinical testing. Allele origin: germline.

Labcorp Genetics (formerly Invitae), Labcorp
Classification: Uncertain significance for Charcot-Marie-Tooth disease type 2. Last evaluated: 2025-01-06. Review status: criteria provided, single submitter. Criteria: Invitae Variant Classification Sherloc (09022015). Collection method: clinical testing. Allele origin: germline.
Comment: This sequence change replaces threonine, which is neutral and polar, with alanine, which is neutral and non-polar, at codon 96 of the MED25 protein (p.Thr96Ala). This variant is present in population databases (rs201460460, gnomAD 0.02%). This variant has not been reported in the literature in individuals affected with MED25-related conditions. ClinVar contains an entry for this variant (Variation ID: 946643). An algorithm developed to predict the effect of missense changes on protein structure and function (PolyPhen-2) suggests that this variant is likely to be tolerated. In summary, the available evidence is currently insufficient to determine the role of this variant in disease. Therefore, it has been classified as a Variant of Uncertain Significance.